The following is an entry in ClinVar:

NM_025081.3(NYNRIN):c.1899A>G (p.Ala633=)

Gene: NYNRIN (NYN domain and retroviral integrase containing; plus strand). Cytogenetic location: 14q12.
Variant type: single nucleotide variant.
Coding change: c.1899A>G on transcript NM_025081.3 (MANE Select); coding-DNA position 1899, A replaced by G.
Protein change: p.Ala633=; no amino-acid change (alanine 633 retained).
Molecular consequence: synonymous variant.
Genome position (GRCh38, 1-based): chr14:24,409,693, A>G. VCF-style: chr14-24409693-A-G. GRCh37 (hg19) VCF-style: chr14-24878899-A-G.
Identifiers: ClinVar variation 3050909 (VCV003050909.3), dbSNP rs2502383653, ClinGen allele CA485789965.
Genomic context (GRCh38, chr14:24,409,693, plus strand): 5'-GGTAGCTCAAGTGGAACCCACAACTCCAAAAACTCCCCAGGCTCAGAAGATGCCTGTAGC[A>G]AAAACATCACCTGCAGGTCCCAAAACACCCAAAGCTCAAGCCGGGCCTGCAGCTACAGTT-3'
Protein context (NP_079357.2, residues 623-643): KTPQAQKMPV[Ala633=]KTSPAGPKTP

ClinVar aggregate classification (germline): Likely benign. Review status: criteria provided, single submitter (1 of 4 stars). 2 submissions from 2 submitters: Likely benign (1). 1 of the submissions does not count toward it. Last evaluated 2025-04-28.

Conditions:
NYNRIN-related disorder. Also called: NYNRIN-related condition.

Allele frequency attached by ClinVar (database versions not stated): gnomAD exomes below 0.00001.

Submissions (2):

Labcorp Genetics (formerly Invitae), Labcorp
Classification: Likely benign. Last evaluated: 2025-04-28. Review status: criteria provided, single submitter. Criteria: Invitae Variant Classification Sherloc (09022015). Collection method: clinical testing. Allele origin: germline.

PreventionGenetics, part of Exact Sciences
Classification: Likely benign for NYNRIN-related condition. Last evaluated: 2023-07-27. Review status: no assertion criteria provided. Collection method: clinical testing. Allele origin: germline. Not counted in ClinVar's aggregate classification.
Comment: This variant is classified as likely benign based on ACMG/AMP sequence variant interpretation guidelines (Richards et al. 2015 PMID: 25741868, with internal and published modifications).